The following is an entry in ClinVar:

ClinVar aggregate classification (germline): Conflicting classifications of pathogenicity. Review status: criteria provided, conflicting classifications (1 of 4 stars). 2 submissions from 2 submitters: Pathogenic (1); Uncertain significance (1). Last evaluated 2025-07-17.

Conditions:
Hereditary cancer-predisposing syndrome. Also called: Hereditary Cancer Syndrome; Neoplastic Syndromes, Hereditary; Hereditary neoplastic syndrome; Tumor predisposition. Identifiers: Orphanet 140162, MedGen C0027672, MeSH D009386, MONDO:0015356.

Submissions (2):

Ambry Genetics
Classification: Uncertain significance for Hereditary cancer-predisposing syndrome. Last evaluated: 2025-07-17. Review status: criteria provided, single submitter. Criteria: Ambry Variant Classification Scheme 2023. Collection method: clinical testing. Allele origin: germline.
Comment: The p.Q385* variant (also known as c.1153C>T), located in coding exon 12 of the POLE gene, results from a C to T substitution at nucleotide position 1153. This changes the amino acid from a glutamine to a stop codon within coding exon 12. This alteration is expected to result in loss of function by premature protein truncation or nonsense-mediated mRNA decay. Although biallelic loss of function of POLE has been associated with autosomal recessive POLE deficiency, haploinsufficiency of POLE has not been established as a mechanism of disease for POLE-related polymerase proofreading-associated polyposis (PPAP) and POLE-related CMMRD-like syndrome. Based on the supporting evidence, this variant is expected to be causative of POLE deficiency when present along with a second pathogenic variant on the other allele; however, its clinical significance for PPAP and POLE-related CMMRD-like syndrome is unclear.

Labcorp Genetics (formerly Invitae), Labcorp
Classification: Pathogenic. Last evaluated: 2024-05-18. Review status: criteria provided, single submitter. Criteria: Invitae Variant Classification Sherloc (09022015). Collection method: clinical testing. Allele origin: germline.
Comment: This sequence change creates a premature translational stop signal (p.Gln385*) in the POLE gene. It is expected to result in an absent or disrupted protein product. Loss-of-function variants in POLE are known to be pathogenic (PMID: 23230001, 25948378, 30503519). This variant is not present in population databases (gnomAD no frequency). This variant has not been reported in the literature in individuals affected with POLE-related conditions. For these reasons, this variant has been classified as Pathogenic.

Literature cited by the submitters: PubMed 23230001 (cited by Labcorp Genetics (formerly Invitae), Labcorp); PubMed 25948378 (cited by Labcorp Genetics (formerly Invitae), Labcorp); PubMed 30503519 (cited by Labcorp Genetics (formerly Invitae), Labcorp).

NM_006231.4(POLE):c.1153C>T (p.Gln385Ter)

Gene: POLE (DNA polymerase epsilon, catalytic subunit; minus strand). Cytogenetic location: 12q24.33.
Variant type: single nucleotide variant.
Coding change: c.1153C>T on transcript NM_006231.4 (MANE Select); coding-DNA position 1153, C replaced by T.
Protein change: p.Gln385Ter; replaces glutamine 385 with a stop codon.
Molecular consequence: nonsense.
Genome position (GRCh38, 1-based): chr12:132,675,471, G>A on the plus strand (C>T on the coding strand, the complement: POLE is on the minus strand). VCF-style: chr12-132675471-G-A. GRCh37 (hg19) VCF-style: chr12-133252057-G-A.
Other names: c.1153C>T (NM_006231.2); short protein forms Q385*.
Identifiers: ClinVar variation 3653756 (VCV003653756.3).